The following is an entry in ClinVar:

NM_001018005.2(TPM1):c.352A>G (p.Lys118Glu)

Gene: TPM1 (tropomyosin 1; plus strand). Cytogenetic location: 15q22.2.
Variant type: single nucleotide variant.
Coding change: c.352A>G on transcript NM_001018005.2 (MANE Select); coding-DNA position 352, A replaced by G.
Protein change: p.Lys118Glu; replaces lysine 118 with glutamic acid.
Molecular consequence: missense variant. On other transcripts: non-coding transcript variant (17).
Genome position (GRCh38, 1-based): chr15:63,057,096, A>G. VCF-style: chr15-63057096-A-G. GRCh37 (hg19) VCF-style: chr15-63349295-A-G.
Other names: c.352A>G, p.Lys118Glu (NM_000366.6, NM_001018004.2, NM_001018006.2 and 20 more transcripts); c.244A>G, p.Lys82Glu (NM_001018008.2, NM_001301289.2, NM_001330344.2 and 9 more transcripts); c.478A>G, p.Lys160Glu (NM_001365778.1, NM_001407322.1, NM_001407323.1 and 1 more transcripts); short protein forms K118E, K82E, K160E.
Identifiers: ClinVar variation 3644816 (VCV003644816.2).

ClinVar aggregate classification (germline): Uncertain significance (1 of 4 stars; one submission).

Conditions:
Hypertrophic cardiomyopathy. Also called: HYPERTROPHIC MYOCARDIOPATHY. Identifiers: Orphanet 217569, MedGen C0007194, MeSH D002312, MONDO:0005045, HP:0001639.

Submission:

Labcorp Genetics (formerly Invitae), Labcorp
Classification: Uncertain significance for Hypertrophic cardiomyopathy. Last evaluated: 2024-03-07. Review status: criteria provided, single submitter. Criteria: Invitae Variant Classification Sherloc (09022015). Collection method: clinical testing. Allele origin: germline.
Comment: This sequence change replaces lysine, which is basic and polar, with glutamic acid, which is acidic and polar, at codon 118 of the TPM1 protein (p.Lys118Glu). This variant is not present in population databases (gnomAD no frequency). This variant has not been reported in the literature in individuals affected with TPM1-related conditions. An algorithm developed to predict the effect of missense changes on protein structure and function (PolyPhen-2) suggests that this variant is likely to be disruptive. In summary, the available evidence is currently insufficient to determine the role of this variant in disease. Therefore, it has been classified as a Variant of Uncertain Significance.